The following is an entry in ClinVar:

NM_138402.6(SP140L):c.1320G>A (p.Pro440=)

Gene: SP140L (SP140 like nuclear body protein; plus strand). Cytogenetic location: 2q37.1.
Variant type: single nucleotide variant.
Coding change: c.1320G>A on transcript NM_138402.6 (MANE Select); coding-DNA position 1320, G replaced by A.
Protein change: p.Pro440=; no amino-acid change (proline 440 retained).
Molecular consequence: synonymous variant. On other transcripts: intron variant (2).
Genome position (GRCh38, 1-based): chr2:230,400,961, G>A. VCF-style: chr2-230400961-G-A. GRCh37 (hg19) VCF-style: chr2-231265676-G-A.
Other names: c.1314-21G>A (NM_001352892.2); c.1134-21G>A (NM_001352894.2); c.1245G>A, p.Pro415= (NM_001308162.3); c.1140G>A, p.Pro380= (NM_001308163.3); c.1215G>A, p.Pro405= (NM_001352893.2).
Identifiers: ClinVar variation 2651992 (VCV002651992.24), dbSNP rs368551483, ClinGen allele CA2156466.

ClinVar aggregate classification (germline): Likely benign (1 of 4 stars; one submission).

Allele frequency attached by ClinVar (database versions not stated): TOPMed 0.00121; ESP Exome Variant Server 0.00130; 1000 Genomes Project 30x 0.00141; 1000 Genomes Project 0.00160; gnomAD 0.00197; gnomAD exomes 0.00237; ExAC 0.00483.
gnomAD v4.1: 3,517 of 1,524,650 alleles (0.23%); highest among the groups gnomAD compares: Non-Finnish European, 0.25%; 4 homozygotes.

Submission:

CeGaT Center for Human Genetics Tuebingen
Classification: Likely benign. Last evaluated: 2025-06-01. Review status: criteria provided, single submitter. Criteria: CeGaT Center For Human Genetics Tuebingen Variant Classification Criteria Version 2. Collection method: clinical testing. Allele origin: germline. Affected: yes. Observed: 3 variant alleles.
Comment: SP140L: BP4, BP7